The following is an entry in ClinVar:

ClinVar aggregate classification (germline): Likely benign. Review status: criteria provided, multiple submitters, no conflicts (2 of 4 stars). 2 submissions from 2 submitters: Likely benign (2). Last evaluated 2025-12-20.

Allele frequency attached by ClinVar (database versions not stated): gnomAD exomes below 0.00001 and 0.00003; ExAC 0.00003; gnomAD 0.00005; TOPMed 0.00006; ESP Exome Variant Server 0.00008.

Submissions (2):

Labcorp Genetics (formerly Invitae), Labcorp
Classification: Likely benign. Last evaluated: 2025-12-20. Review status: criteria provided, single submitter. Criteria: Invitae Variant Classification Sherloc (09022015). Collection method: clinical testing. Allele origin: germline.

GeneDx
Classification: Likely benign. Last evaluated: 2017-12-27. Review status: criteria provided, single submitter. Criteria: GeneDx Variant Classification (06012015). Collection method: clinical testing. Allele origin: germline. Affected: yes.
Comment: This variant is considered likely benign or benign based on one or more of the following criteria: it is a conservative change, it occurs at a poorly conserved position in the protein, it is predicted to be benign by multiple in silico algorithms, and/or has population frequency not consistent with disease.

NM_006907.4(PYCR1):c.228C>T (p.Pro76=)

Gene: PYCR1 (pyrroline-5-carboxylate reductase 1; minus strand). Cytogenetic location: 17q25.3.
Variant type: single nucleotide variant.
Coding change: c.228C>T on transcript NM_006907.4 (MANE Select); coding-DNA position 228, C replaced by T.
Protein change: p.Pro76=; no amino-acid change (proline 76 retained).
Molecular consequence: synonymous variant.
Genome position (GRCh38, 1-based): chr17:81,935,427, G>A on the plus strand (C>T on the coding strand, the complement: PYCR1 is on the minus strand). VCF-style: chr17-81935427-G-A. GRCh37 (hg19) VCF-style: chr17-79893303-G-A.
Other names: c.228C>T, p.Pro76= (NM_001282279.2, NM_001282280.2, NM_001330523.2 and 1 more transcripts); c.309C>T, p.Pro103= (NM_001282281.2).
Identifiers: ClinVar variation 514289 (VCV000514289.2), dbSNP rs377342114, ClinGen allele CA8845524.
Genomic context (GRCh38, chr17:81,935,427, plus strand): 5'-CGCGCAGGACACCACAATGTGTCTGTCCTCAATGTCGGCGCCTATTTCATCCAGGATGAA[G>A]GGGATGATGTGTGGCTTCACAGCCAGGAAGAGCACATCACTGTGCTGCACCGTCTCCTTG-3'
Protein context (NP_008838.2, residues 66-86): LFLAVKPHII[Pro76=]FILDEIGADI